The following is an entry in ClinVar:

NM_000535.7(PMS2):c.778_780delinsCG (p.Ser260fs)

Gene: PMS2 (PMS1 homolog 2, mismatch repair system component; minus strand). Cytogenetic location: 7p22.1.
Variant type: Indel.
Coding change: c.778_780delinsCG on transcript NM_000535.7 (MANE Select); coding-DNA positions 778 to 780, TCC replaced by CG.
Protein change: p.Ser260fs; shifts the reading frame from serine 260.
Molecular consequence: frameshift variant. On other transcripts: 5 prime UTR variant (2), non-coding transcript variant (1).
Genome position (GRCh38, 1-based): chr7:5,997,349-5,997,351, GGA replaced by CG on the plus strand (TCC replaced by CG on the coding strand, the reverse complement: PMS2 is on the minus strand). VCF-style: chr7-5997349-GGA-CG. GRCh37 (hg19) VCF-style: chr7-6036980-GGA-CG.
Other names: c.373_375delTCCinsCG, p.Ser125Argfs (NM_001018040.1, NM_001406887.1, NM_001406888.1 and 15 more transcripts); c.373_375delinsCG, p.Ser125fs (NM_001322003.2, NM_001322004.2, NM_001322005.2 and 2 more transcripts); c.778_780delinsCG, p.Ser260fs (NM_001322006.2, NM_001322014.2); c.460_462delinsCG, p.Ser154fs (NM_001322007.2, NM_001322008.2); c.-156_-154delinsCG (NM_001322011.2, NM_001322012.2); c.205_207delinsCG, p.Ser69fs (NM_001322013.2); c.469_471delinsCG, p.Ser157fs (NM_001322015.2); c.964_966delTCCinsCG, p.Ser322Argfs (NM_001406866.1); and 9 more; short protein forms S154fs, S157fs, S125fs, S260fs, S69fs.
Identifiers: ClinVar variation 1760603 (VCV001760603.3), dbSNP rs2536220015, ClinGen allele CA2580076859.

ClinVar aggregate classification (germline): Pathogenic (1 of 4 stars; one submission).

Conditions:
Hereditary cancer-predisposing syndrome. Also called: Neoplastic Syndromes, Hereditary; Tumor predisposition; Hereditary Cancer Syndrome; Hereditary neoplastic syndrome. Identifiers: Orphanet 140162, MedGen C0027672, MeSH D009386, MONDO:0015356.

Submission:

Ambry Genetics
Classification: Pathogenic for Hereditary cancer-predisposing syndrome. Last evaluated: 2022-10-31. Review status: criteria provided, single submitter. Criteria: Ambry Variant Classification Scheme 2023. Collection method: clinical testing. Allele origin: germline.
Comment: The c.778_780delTCCinsCG pathogenic mutation, located in coding exon 7 of the PMS2 gene, results from the deletion of 3 nucleotides and insertion of two nucleotides causing a translational frameshift with a predicted alternate stop codon (p.S260Rfs*47). This variant is considered to be rare based on population cohorts in the Genome Aggregation Database (gnomAD). This alteration is expected to result in loss of function by premature protein truncation or nonsense-mediated mRNA decay. As such, this alteration is interpreted as a disease-causing mutation.